The following is an entry in ClinVar:

NM_002691.4(POLD1):c.2821-48C>G

Gene: POLD1 (DNA polymerase delta 1, catalytic subunit; plus strand). Cytogenetic location: 19q13.33.
Variant type: single nucleotide variant.
Coding change: c.2821-48C>G on transcript NM_002691.4 (MANE Select); 48 bases into the intron before coding-DNA position 2821, C replaced by G.
Molecular consequence: intron variant.
Genome position (GRCh38, 1-based): chr19:50,416,348, C>G. VCF-style: chr19-50416348-C-G. GRCh37 (hg19) VCF-style: chr19-50919605-C-G.
Other names: c.2821-48C>G (NM_001256849.1); c.2899-48C>G (NM_001308632.1).
Identifiers: ClinVar variation 676646 (VCV000676646.9), dbSNP rs3219439, ClinGen allele CA9596668.

ClinVar aggregate classification (germline): Benign/Likely benign. Review status: criteria provided, multiple submitters, no conflicts (2 of 4 stars). 3 submissions from 3 submitters: Benign (1); Likely benign (2). Last evaluated 2025-03-04.

Allele frequency attached by ClinVar (database versions not stated): TOPMed 0.00006; 1000 Genomes Project 30x 0.00843; 1000 Genomes Project 0.00919; ExAC 0.01340.

Submissions (3):

Center for Genomic Medicine, Rigshospitalet, Copenhagen University Hospital
Classification: Benign. Last evaluated: 2025-03-04. Review status: criteria provided, single submitter. Criteria: ACMG Guidelines, 2015. Collection method: clinical testing. Allele origin: germline.

GeneDx
Classification: Likely benign. Last evaluated: 2018-06-18. Review status: criteria provided, single submitter. Criteria: GeneDx Variant Classification (06012015). Collection method: clinical testing. Allele origin: germline. Affected: yes.
Comment: This variant is considered likely benign or benign based on one or more of the following criteria: it is a conservative change, it occurs at a poorly conserved position in the protein, it is predicted to be benign by multiple in silico algorithms, and/or has population frequency not consistent with disease.

Breakthrough Genomics
Classification: Likely benign. Review status: criteria provided, single submitter. Criteria: ACMG Guidelines, 2015. Collection method: not provided. Allele origin: germline. Inheritance: Autosomal dominant inheritance. Affected: yes.